The following is an entry in ClinVar:

ClinVar aggregate classification (germline): Uncertain significance. Review status: criteria provided, multiple submitters, no conflicts (2 of 4 stars). 2 submissions from 2 submitters: Uncertain significance (2). Last evaluated 2022-08-15.

Conditions:
Combined immunodeficiency due to DOCK8 deficiency (HIES2). Also called: HIES autosomal recessive; HYPER-IgE RECURRENT INFECTION SYNDROME 2, AUTOSOMAL RECESSIVE; DOCK8 Deficiency; HYPER-IgE SYNDROME 2, AUTOSOMAL RECESSIVE, WITH RECURRENT INFECTIONS; Hyper-IgE recurrent infection syndrome, autosomal recessive. Identifiers: Orphanet 217390, MedGen C4722305, MONDO:0009478, OMIM 243700.

Allele frequency attached by ClinVar (database versions not stated): gnomAD 0.00005 and 0.00006; TOPMed 0.00005.

Submissions (2):

Labcorp Genetics (formerly Invitae), Labcorp
Classification: Uncertain significance for Combined immunodeficiency due to DOCK8 deficiency. Last evaluated: 2022-08-15. Review status: criteria provided, single submitter. Criteria: Invitae Variant Classification Sherloc (09022015). Collection method: clinical testing. Allele origin: germline.
Comment: This sequence change replaces valine, which is neutral and non-polar, with isoleucine, which is neutral and non-polar, at codon 468 of the DOCK8 protein (p.Val468Ile). This variant is present in population databases (rs750286236, gnomAD 0.008%). This variant has not been reported in the literature in individuals affected with DOCK8-related conditions. ClinVar contains an entry for this variant (Variation ID: 915174). Algorithms developed to predict the effect of missense changes on protein structure and function output the following: SIFT: "Tolerated"; PolyPhen-2: "Benign"; Align-GVGD: "Class C0". The isoleucine amino acid residue is found in multiple mammalian species, which suggests that this missense change does not adversely affect protein function. In summary, the available evidence is currently insufficient to determine the role of this variant in disease. Therefore, it has been classified as a Variant of Uncertain Significance.

Illumina Laboratory Services, Illumina
Classification: Uncertain significance for Combined immunodeficiency due to DOCK8 deficiency. Last evaluated: 2018-01-12. Review status: criteria provided, single submitter. Criteria: ICSL Variant Classification Criteria 13 December 2019. Collection method: clinical testing. Allele origin: germline.

NM_203447.4(DOCK8):c.1402G>A (p.Val468Ile)

Gene: DOCK8 (dedicator of cytokinesis 8; plus strand). Cytogenetic location: 9p24.3.
Variant type: single nucleotide variant.
Coding change: c.1402G>A on transcript NM_203447.4 (MANE Select); coding-DNA position 1402, G replaced by A.
Protein change: p.Val468Ile; replaces valine 468 with isoleucine.
Molecular consequence: missense variant.
Genome position (GRCh38, 1-based): chr9:336,698, G>A. VCF-style: chr9-336698-G-A. GRCh37 (hg19) VCF-style: chr9-336698-G-A.
Other names: c.1198G>A, p.Val400Ile (NM_001190458.2, NM_001193536.2); short protein forms V400I, V468I.
Identifiers: ClinVar variation 915174 (VCV000915174.6), dbSNP rs750286236, ClinGen allele CA4957713.